The following is an entry in ClinVar:

ClinVar aggregate classification (germline): Likely pathogenic. Review status: criteria provided, multiple submitters, no conflicts (2 of 4 stars). 2 submissions from 2 submitters: Likely pathogenic (2). Last evaluated 2022-06-20.

Conditions:
MYO7A-related disorder. Also called: MYO7A-related disorders.

Submissions (2):

Labcorp Genetics (formerly Invitae), Labcorp
Classification: Likely pathogenic. Last evaluated: 2022-06-20. Review status: criteria provided, single submitter. Criteria: Invitae Variant Classification Sherloc (09022015). Collection method: clinical testing. Allele origin: germline.
Comment: In summary, the currently available evidence indicates that the variant is pathogenic, but additional data are needed to prove that conclusively. Therefore, this variant has been classified as Likely Pathogenic. Algorithms developed to predict the effect of sequence changes on RNA splicing suggest that this variant may disrupt the consensus splice site. ClinVar contains an entry for this variant (Variation ID: 866318). This variant has not been reported in the literature in individuals affected with MYO7A-related conditions. This variant is not present in population databases (gnomAD no frequency). This sequence change affects a donor splice site in intron 34 of the MYO7A gene. It is expected to disrupt RNA splicing. Variants that disrupt the donor or acceptor splice site typically lead to a loss of protein function (PMID: 16199547), and loss-of-function variants in MYO7A are known to be pathogenic (PMID: 8900236, 25404053).

Blueprint Genetics
Classification: Likely pathogenic for MYO7A-related disorders. Last evaluated: 2018-07-16. Review status: criteria provided, single submitter. Criteria: ACMG Guidelines, 2015. Collection method: clinical testing. Allele origin: germline. Affected: yes. Observed: 1 variant allele.

Literature cited by the submitters: PubMed 16199547 (cited by Labcorp Genetics (formerly Invitae), Labcorp); PubMed 8900236 (cited by Labcorp Genetics (formerly Invitae), Labcorp); PubMed 25404053 (cited by Labcorp Genetics (formerly Invitae), Labcorp).

NM_000260.4(MYO7A):c.4568+1G>A

Gene: MYO7A (myosin VIIA; plus strand). Cytogenetic location: 11q13.5.
Variant type: single nucleotide variant.
Coding change: c.4568+1G>A on transcript NM_000260.4 (MANE Select); the canonical splice donor site of the intron after coding-DNA position 4568, G replaced by A.
Molecular consequence: splice donor variant.
Genome position (GRCh38, 1-based): chr11:77,198,622, G>A. VCF-style: chr11-77198622-G-A. GRCh37 (hg19) VCF-style: chr11-76909667-G-A.
Other names: c.4535+1G>A (NM_001369365.1); c.4568+1G>A (NM_001127180.2).
Identifiers: ClinVar variation 866318 (VCV000866318.9), dbSNP rs1956849074, ClinGen allele CA381950473.